The following is an entry in ClinVar:

ClinVar aggregate classification (germline): Likely pathogenic (1 of 4 stars; one submission).

Conditions:
Cardiovascular phenotype. Identifiers: MedGen CN230736.

Submission:

Molecular Diagnostic Laboratory for Inherited Cardiovascular Disease, Montreal Heart Institute
Classification: Likely pathogenic for Cardiovascular phenotype. Last evaluated: 2026-03-20. Review status: criteria provided, single submitter. Criteria: ACMG Guidelines, 2015. Collection method: clinical testing. Allele origin: germline. Affected: yes.
Comment: PVS1, PM2

NM_001267550.2(TTN):c.5503C>T (p.Gln1835Ter)

Gene: TTN (titin; minus strand). Cytogenetic location: 2q31.2.
Variant type: single nucleotide variant.
Coding change: c.5503C>T on transcript NM_001267550.2 (MANE Select); coding-DNA position 5503, C replaced by T.
Protein change: p.Gln1835Ter; replaces glutamine 1835 with a stop codon.
Molecular consequence: nonsense.
Genome position (GRCh38, 1-based): chr2:178,776,361, G>A on the plus strand (C>T on the coding strand, the complement: TTN is on the minus strand). VCF-style: chr2-178776361-G-A. GRCh37 (hg19) VCF-style: chr2-179641088-G-A.
Other names: c.5503C>T, p.Gln1835Ter (NM_001256850.1, NM_133378.4, NM_133379.5); c.5365C>T, p.Gln1789Ter (NM_003319.4, NM_133432.3, NM_133437.4); short protein forms Q1789*, Q1835*.
Identifiers: ClinVar variation 4820562 (VCV004820562.1).